The following is an entry in ClinVar:

NM_001366145.2(TRPM3):c.4406G>T (p.Arg1469Leu)

Genes: KLF9-DT (KLF9 divergent transcript; plus strand), TRPM3 (transient receptor potential cation channel subfamily M member 3; minus strand). Cytogenetic location: 9q21.12.
Variant type: single nucleotide variant.
Coding change: c.4406G>T on transcript NM_001366145.2 (MANE Select); coding-DNA position 4406, G replaced by T.
Protein change: p.Arg1469Leu; replaces arginine 1469 with leucine.
Molecular consequence: missense variant. On other transcripts: intron variant (8).
Genome position (GRCh38, 1-based): chr9:70,536,707, C>A on the plus strand (G>T on the coding strand, the complement: TRPM3 is on the minus strand). VCF-style: chr9-70536707-C-A. GRCh37 (hg19) VCF-style: chr9-73151623-C-A.
Other names: c.4370G>T (NM_001007471.2); c.4376G>T, p.Arg1459Leu (NM_001366141.2, NM_001366149.2); c.4481G>T, p.Arg1494Leu (NM_001366147.2); c.3911G>T, p.Arg1304Leu (NM_020952.6); c.3947G>T, p.Arg1316Leu (NM_024971.7); c.3881G>T, p.Arg1294Leu (NM_206944.5); c.3917G>T, p.Arg1306Leu (NM_206945.5); c.3986G>T, p.Arg1329Leu (NM_206946.5); and 10 more; short protein forms R1294L, R1304L, R1306L, R1316L, R1319L, R1329L, R1457L, R1459L.
Identifiers: ClinVar variation 2659247 (VCV002659247.25), dbSNP rs765032665, ClinGen allele CA5077813.

ClinVar aggregate classification (germline): Conflicting classifications of pathogenicity. Review status: criteria provided, conflicting classifications (1 of 4 stars). 2 submissions from 2 submitters: Uncertain significance (1); Likely benign (1). Last evaluated 2026-02-01.

Conditions:
Inborn genetic diseases. Identifiers: MedGen C0950123, MeSH D030342.

gnomAD v4.1: 16 of 1,613,996 alleles (0.00099%); highest among the groups gnomAD compares: African/African-American, 0.0093%; no homozygotes.

Submissions (2):

CeGaT Center for Human Genetics Tuebingen
Classification: Likely benign. Last evaluated: 2026-02-01. Review status: criteria provided, single submitter. Criteria: CeGaT Center For Human Genetics Tuebingen Variant Classification Criteria Version 2. Collection method: clinical testing. Allele origin: germline. Affected: yes. Observed: 2 variant alleles.
Comment: TRPM3: BP4

Ambry Genetics
Classification: Uncertain significance for Inborn genetic diseases. Last evaluated: 2025-08-04. Review status: criteria provided, single submitter. Criteria: Ambry Variant Classification Scheme 2023. Collection method: clinical testing. Allele origin: germline.